The following is an entry in ClinVar:

ClinVar aggregate classification (germline): Uncertain significance (1 of 4 stars; one submission).

Conditions:
Glycogen storage disease IXa1. Also called: GLYCOGEN STORAGE DISEASE VIII; GSD VIII; Glycogen storage disease 8; LIVER GLYCOGENOSIS, X-LINKED, TYPE I. Identifiers: Orphanet 264580, MedGen C3694531, MONDO:0010598, OMIM 306000.

Submission:

Labcorp Genetics (formerly Invitae), Labcorp
Classification: Uncertain significance for Glycogen storage disease IXa1. Last evaluated: 2020-06-26. Review status: criteria provided, single submitter. Criteria: Invitae Variant Classification Sherloc (09022015). Collection method: clinical testing. Allele origin: germline.
Comment: In summary, the available evidence is currently insufficient to determine the role of this variant in disease. Therefore, it has been classified as a Variant of Uncertain Significance. This variant disrupts the p.His132 amino acid residue in PHKA2. Other variant(s) that disrupt this residue have been observed in individuals with PHKA2-related conditions (PMID: 8733134), which suggests that this may be a clinically significant amino acid residue. Algorithms developed to predict the effect of missense changes on protein structure and function are either unavailable or do not agree on the potential impact of this missense change (SIFT: "Deleterious"; PolyPhen-2: "Probably Damaging"; Align-GVGD: "Class C0"). This variant has not been reported in the literature in individuals with PHKA2-related conditions. This variant is not present in population databases (ExAC no frequency). This sequence change replaces histidine with arginine at codon 132 of the PHKA2 protein (p.His132Arg). The histidine residue is highly conserved and there is a small physicochemical difference between histidine and arginine.

Literature cited by the submitters: PubMed 8733134.

NM_000292.3(PHKA2):c.395A>G (p.His132Arg)

Gene: PHKA2 (phosphorylase kinase regulatory subunit alpha 2; minus strand). Cytogenetic location: Xp22.13.
Variant type: single nucleotide variant.
Coding change: c.395A>G on transcript NM_000292.3 (MANE Select); coding-DNA position 395, A replaced by G.
Protein change: p.His132Arg; replaces histidine 132 with arginine.
Molecular consequence: missense variant.
Genome position (GRCh38, 1-based): chrX:18,951,163, T>C on the plus strand (A>G on the coding strand, the complement: PHKA2 is on the minus strand). VCF-style: chrX-18951163-T-C. GRCh37 (hg19) VCF-style: chrX-18969281-T-C.
Other names: short protein forms H132R.
Identifiers: ClinVar variation 1006133 (VCV001006133.8), dbSNP rs137852291, ClinGen allele CA412375130.
Genomic context (GRCh38, chrX:18,951,163, plus strand): 5'-CCTGAGGCGGTCATCTGGGCCAGGAACAGGAGGAAGAGAGAGGTGGCATCCACCTGGAGG[T>C]GGCCCCACTGGTCGTCGCCCACCACCGTGCCACAGGTGGCGGTGTTGTACTTGGCGTGCA-3'
Protein context (NP_000283.1, residues 122-142): GTVVGDDQWG[His132Arg]LQVDATSLFL